The following is an entry in ClinVar:

ClinVar aggregate classification (germline): Likely pathogenic (1 of 4 stars; one submission).

Conditions:
Global developmental delay with speech and behavioral abnormalities. Identifiers: MedGen C5543226, MONDO:0030995, OMIM 619243.

Submission:

Juno Genomics, Hangzhou Juno Genomics, Inc
Classification: Likely pathogenic for Global developmental delay with speech and behavioral abnormalities. Review status: criteria provided, single submitter. Criteria: ACMG Guidelines, 2015. Collection method: clinical testing. Allele origin: germline. Affected: yes.
Comment: Absent from controls (or at extremely low frequency if recessive) in Genome Aggregation Database.;Null variant in a gene where loss of function (LOF) is a known mechanism of disease.

NM_001162501.2(TNRC6B):c.3605_3606del (p.Gly1202fs)

Gene: TNRC6B (trinucleotide repeat containing adaptor 6B; plus strand). Cytogenetic location: 22q13.1.
Variant type: Deletion.
Coding change: c.3605_3606del on transcript NM_001162501.2 (MANE Select); coding-DNA positions 3605 to 3606, 2 bases deleted (GA; older notation c.3605_3606delGA).
Protein change: p.Gly1202fs; shifts the reading frame from glycine 1202.
Molecular consequence: frameshift variant.
Genome position (GRCh38, 1-based): chr22:40,285,667-40,285,668, GA deleted. VCF-style (leftmost placement, unchanged base first): chr22-40285666-GGA-G. GRCh37 (hg19) VCF-style: chr22-40681670-GGA-G.
Other names: c.1193_1194del, p.Gly398fs (NM_001024843.2); c.3275_3276del, p.Gly1092fs (NM_015088.3); short protein forms G1092fs, G1202fs, G398fs.
Identifiers: ClinVar variation 5019530 (VCV005019530.1).
Genomic context (GRCh38, chr22:40,285,666, plus strand): 5'-TGTTAACAAAAAGCCTTACTGCTGCTTTTCTGTTTACAGGGCGGTAGTCATGGTTTGTTT[GGA>G]AACAGCACAGCACAATCGAGAGGTCTGCACACACCCGTGCAGCCACTAAATTCTTCTCCC-3'